The following is an entry in ClinVar:

ClinVar aggregate classification (germline): Likely pathogenic. Review status: criteria provided, multiple submitters, no conflicts (2 of 4 stars). 2 submissions from 2 submitters: Likely pathogenic (2). Last evaluated 2026-03-20.

Conditions:
Hereditary cancer-predisposing syndrome. Also called: Tumor predisposition; Hereditary Cancer Syndrome; Neoplastic Syndromes, Hereditary; Hereditary neoplastic syndrome. Identifiers: Orphanet 140162, MedGen C0027672, MeSH D009386, MONDO:0015356.
Familial adenomatous polyposis 2. Also called: COLORECTAL ADENOMATOUS POLYPOSIS, AUTOSOMAL RECESSIVE; MYH-associated polyposis; FAP type 2; MUTYH-associated polyposis; MUTYH-related attenuated familial adenomatous polyposis; MUTYH Polyposis. Identifiers: Orphanet 220460, Orphanet 247798, MedGen C3272841, MONDO:0012041, OMIM 608456.

Submissions (2):

Ambry Genetics
Classification: Likely pathogenic for Hereditary cancer-predisposing syndrome. Last evaluated: 2026-03-20. Review status: criteria provided, single submitter. Criteria: Ambry Variant Classification Scheme 2023. Collection method: clinical testing. Allele origin: germline.
Comment: The c.1519-2A>C intronic variant results from an A to C substitution two nucleotides upstream from coding exon 16 in the MUTYH gene. This alteration occurs at the 3' terminus of the MUTYH gene, is not expected to trigger nonsense-mediated mRNA decay, and only impacts the last coding exon. The exact functional effect of this alteration is unknown; however the region predicted to be impacted is critical for protein function and a significant portion of the protein is affected (Ambry internal data, Chang DY et al. J Biol Chem, 2002 Apr;277:11853-8, Parker A et al. J Biol Chem, 2001 Feb;276:5547-55). This nucleotide position is highly conserved in available vertebrate species. In silico splice site analysis predicts that this alteration will weaken the native splice acceptor site and will result in the creation or strengthening of a novel splice acceptor site; however, direct evidence is insufficient at this time (Ambry internal data). Other variant(s) impacting the same acceptor site (c.1519-2A>G) have been identified in individual(s) with features consistent with MUTYH-associated polyposis (Ambry internal data). Based on the majority of available evidence to date, this variant is likely to be pathogenic.

Labcorp Genetics (formerly Invitae), Labcorp
Classification: Likely pathogenic for Familial adenomatous polyposis 2. Last evaluated: 2025-01-27. Review status: criteria provided, single submitter. Criteria: Invitae Variant Classification Sherloc (09022015). Collection method: clinical testing. Allele origin: germline.
Comment: This sequence change affects an acceptor splice site in intron 15 of the MUTYH gene. RNA analysis indicates that disruption of this splice site induces altered splicing and likely disrupts the C-terminus of the protein. This variant is not present in population databases (gnomAD no frequency). This variant has not been reported in the literature in individuals affected with MUTYH-related conditions. ClinVar contains an entry for this variant (Variation ID: 661635). Variants that disrupt the consensus splice site are a relatively common cause of aberrant splicing (PMID: 17576681, 9536098). Studies have shown that disruption of this splice site results in activation of a cryptic splice site and introduces a new termination codon (internal data). However the mRNA is not expected to undergo nonsense-mediated decay. This variant disrupts the conserved PCNA binding motif of the MUTYH protein, which has been shown to be critical for MUTYH-PCNA binding and repair efficiency (PMID: 11092888, 26377631, 11433026, 11864576). While functional studies have not been performed to directly test the effect of this variant on MUTYH protein function, this suggests that disruption of this region of the protein is causative of disease. In summary, the currently available evidence indicates that the variant is pathogenic, but additional data are needed to prove that conclusively. Therefore, this variant has been classified as Likely Pathogenic.

Literature cited by the submitters: PubMed 11092888 (cited by Ambry Genetics and Labcorp Genetics (formerly Invitae), Labcorp); PubMed 11805113 (cited by Ambry Genetics); PubMed 17576681 (cited by Labcorp Genetics (formerly Invitae), Labcorp); PubMed 9536098 (cited by Labcorp Genetics (formerly Invitae), Labcorp); PubMed 26377631 (cited by Labcorp Genetics (formerly Invitae), Labcorp); PubMed 11433026 (cited by Labcorp Genetics (formerly Invitae), Labcorp); PubMed 11864576 (cited by Labcorp Genetics (formerly Invitae), Labcorp).

NM_001048174.2(MUTYH):c.1435-2A>C

Gene: MUTYH (mutY DNA glycosylase; minus strand). Cytogenetic location: 1p34.1.
Variant type: single nucleotide variant.
Coding change: c.1435-2A>C on transcript NM_001048174.2 (MANE Select); the canonical splice acceptor site of the intron before coding-DNA position 1435, A replaced by C.
Molecular consequence: splice acceptor variant.
Genome position (GRCh38, 1-based): chr1:45,329,439, T>G on the plus strand (A>C on the coding strand, the complement: MUTYH is on the minus strand). VCF-style: chr1-45329439-T-G. GRCh37 (hg19) VCF-style: chr1-45795111-T-G.
Other names: c.1519-2A>C (NM_001128425.2); c.1435-2A>C (NM_001407070.1, NM_001048173.2, NM_001407081.1 and 6 more transcripts); c.1438-2A>C (NM_001407071.1, NM_001048172.2, NM_001407078.1 and 1 more transcripts); c.1090-2A>C (NM_001407082.1, NM_001350651.2, NM_001350650.2); c.1159-2A>C (NM_001293196.2, NM_001407091.1, NM_001293192.2); c.1393-2A>C (NM_001407080.1); c.1396-2A>C (NM_001407079.1); c.1468-2A>C (NM_001407077.1, NM_001293191.2, NM_001407069.1); and 5 more.
Identifiers: ClinVar variation 661635 (VCV000661635.11), dbSNP rs1553123105, ClinGen allele CA340131987.